The following is an entry in ClinVar:

NM_001330360.2(POLA1):c.2185A>G (p.Ile729Val)

Gene: POLA1 (DNA polymerase alpha 1, catalytic subunit; plus strand). Cytogenetic location: Xp22.11.
Variant type: single nucleotide variant.
Coding change: c.2185A>G on transcript NM_001330360.2 (MANE Select); coding-DNA position 2185, A replaced by G.
Protein change: p.Ile729Val; replaces isoleucine 729 with valine.
Molecular consequence: missense variant.
Genome position (GRCh38, 1-based): chrX:24,739,519, A>G. VCF-style: chrX-24739519-A-G. GRCh37 (hg19) VCF-style: chrX-24757636-A-G.
Other names: c.2110A>G, p.Ile704Val (NM_001378303.1); c.2185A>G, p.Ile729Val (NM_001440806.1); c.2167A>G, p.Ile723Val (NM_016937.4); short protein forms I723V, I704V, I729V.
Identifiers: ClinVar variation 4779801 (VCV004779801.2).

ClinVar aggregate classification (germline): Uncertain significance. Review status: criteria provided, multiple submitters, no conflicts (2 of 4 stars). 2 submissions from 2 submitters: Uncertain significance (2). Last evaluated 2025-10-11.

gnomAD v4.1: 10 of 1,184,426 alleles (0.00084%); highest among the groups gnomAD compares: Non-Finnish European, 0.0008%; no homozygotes.

Submissions (2):

Labcorp Genetics (formerly Invitae), Labcorp
Classification: Uncertain significance. Last evaluated: 2025-10-11. Review status: criteria provided, single submitter. Criteria: Invitae Variant Classification Sherloc (09022015). Collection method: clinical testing. Allele origin: germline.
Comment: This sequence change replaces isoleucine, which is neutral and non-polar, with valine, which is neutral and non-polar, at codon 723 of the POLA1 protein (p.Ile723Val). This variant is present in population databases (rs779372671, gnomAD 0.003%), including at least one homozygous and/or hemizygous individual. This variant has not been reported in the literature in individuals affected with POLA1-related conditions. Invitae Evidence Modeling of protein sequence and biophysical properties (such as structural, functional, and spatial information, amino acid conservation, physicochemical variation, residue mobility, and thermodynamic stability) indicates that this missense variant is not expected to disrupt POLA1 protein function with a negative predictive value of 80%. In summary, the available evidence is currently insufficient to determine the role of this variant in disease. Therefore, it has been classified as a Variant of Uncertain Significance.

Blueprint Genetics
Classification: Uncertain significance. Last evaluated: 2024-06-04. Review status: criteria provided, single submitter. Criteria: ACMG Guidelines, 2015. Collection method: clinical testing. Allele origin: germline.